The following is an entry in ClinVar:

ClinVar aggregate classification (germline): Uncertain significance. Review status: criteria provided, multiple submitters, no conflicts (2 of 4 stars). 3 submissions from 3 submitters: Uncertain significance (3). Last evaluated 2026-06-24.

Conditions:
RP1L1-related disorder. Also called: RP1L1-related condition.
Inborn genetic diseases. Identifiers: MedGen C0950123, MeSH D030342.

gnomAD v4.1: 6 of 1,613,146 alleles (0.00037%); highest among the groups gnomAD compares: Non-Finnish European, 0.000085%; no homozygotes.

Submissions (3):

PreventionGenetics, part of Exact Sciences
Classification: Uncertain significance for RP1L1-related condition. Last evaluated: 2026-06-24. Review status: criteria provided, single submitter. Criteria: ACMG Guidelines, 2015. Collection method: clinical testing. Allele origin: germline.
Comment: The RP1L1 c.4390G>A variant is predicted to result in the amino acid substitution p.Ala1464Thr. To our knowledge, this variant has not been reported in the literature. This variant is reported in 0.011% of alleles in individuals of East Asian descent in gnomAD. At this time, the clinical significance of this variant is uncertain due to the absence of conclusive functional and genetic evidence.

Ambry Genetics
Classification: Uncertain significance for Inborn genetic diseases. Last evaluated: 2025-04-20. Review status: criteria provided, single submitter. Criteria: Ambry Variant Classification Scheme 2023. Collection method: clinical testing. Allele origin: germline.

Blueprint Genetics
Classification: Uncertain significance. Last evaluated: 2021-11-08. Review status: criteria provided, single submitter. Criteria: ACMG Guidelines, 2015. Collection method: clinical testing. Allele origin: germline.

NM_178857.6(RP1L1):c.4390G>A (p.Ala1464Thr)

Gene: RP1L1 (RP1 like 1). Cytogenetic location: 8p23.1.
Variant type: single nucleotide variant.
Coding change: c.4390G>A on transcript NM_178857.6 (MANE Select); coding-DNA position 4390, G replaced by A.
Protein change: p.Ala1464Thr; replaces alanine 1464 with threonine.
Molecular consequence: missense variant.
Genome position (GRCh38, 1-based): chr8:10,609,708, C>T on the plus strand (G>A on the coding strand, the complement: RP1L1 is on the minus strand). VCF-style: chr8-10609708-C-T. GRCh37 (hg19) VCF-style: chr8-10467218-C-T.
Other names: short protein forms A1464T.
Identifiers: ClinVar variation 3947287 (VCV003947287.3).